The following is an entry in ClinVar:

ClinVar aggregate classification (germline): Uncertain significance (1 of 4 stars; one submission).

Conditions:
Hereditary pancreatitis (PCTT). Also called: Hereditary chronic pancreatitis; PRSS1-Related Hereditary Pancreatitis. Identifiers: Orphanet 676, MedGen C0238339, MONDO:0008185, OMIM 167800.

Submission:

Ambry Genetics
Classification: Uncertain significance for Hereditary pancreatitis. Last evaluated: 2026-03-28. Review status: criteria provided, single submitter. Criteria: Ambry Variant Classification Scheme 2023. Collection method: clinical testing. Allele origin: germline.
Comment: The p.Q209H variant (also known as c.627G>T), located in coding exon 5 of the PRSS1 gene, results from a G to T substitution at nucleotide position 627. The glutamine at codon 209 is replaced by histidine, an amino acid with highly similar properties. This amino acid position is conserved. In addition, the in silico prediction for this alteration is inconclusive. Based on the available evidence, the clinical significance of this variant remains unclear.

NM_002769.5(PRSS1):c.627G>T (p.Gln209His)

Genes: PRSS1 (serine protease 1; plus strand), TRB (T cell receptor beta locus; plus strand). Cytogenetic location: 7q34.
Variant type: single nucleotide variant.
Coding change: c.627G>T on transcript NM_002769.5 (MANE Select); coding-DNA position 627, G replaced by T.
Protein change: p.Gln209His; replaces glutamine 209 with histidine.
Molecular consequence: missense variant. On other transcripts: non-coding transcript variant (5).
Genome position (GRCh38, 1-based): chr7:142,752,903, G>T. VCF-style: chr7-142752903-G-T. GRCh37 (hg19) VCF-style: chr7-142460754-G-T.
Other names: short protein forms Q209H.
Identifiers: ClinVar variation 4862588 (VCV004862588.1).